The following is an entry in ClinVar:

NM_175875.5(SIX5):c.1915_1935dup (p.Asp639_Pro645dup)

Gene: SIX5 (SIX homeobox 5; minus strand). Cytogenetic location: 19q13.32.
Variant type: Duplication.
Coding change: c.1915_1935dup on transcript NM_175875.5 (MANE Select); coding-DNA positions 1915 to 1935, 21 bases duplicated (GACTCCCCTGGCCTCCTGCCC).
Protein change: p.Asp639_Pro645dup.
Molecular consequence: inframe insertion.
Genome position (GRCh38, 1-based): chr19:45,765,786-45,765,806, GGGCAGGAGGCCAGGGGAGTC duplicated on the plus strand (GACTCCCCTGGCCTCCTGCCC on the coding strand, the reverse complement: SIX5 is on the minus strand). VCF-style (leftmost placement, unchanged base first): chr19-45765785-T-TGGGCAGGAGGCCAGGGGAGTC. GRCh37 (hg19) VCF-style: chr19-46269043-T-TGGGCAGGAGGCCAGGGGAGTC.
Identifiers: ClinVar variation 1414120 (VCV001414120.6), dbSNP rs748028226, ClinGen allele CA9520473.
Genomic context (GRCh38, chr19:45,765,785, plus strand): 5'-ACCAGACAGGCACGGCCGCGGGTGACAACATCAGCCCCTCTGGTGGGGGCGCCGGGAAGT[T>TGGGCAGGAGGCCAGGGGAGTC]GGGCAGGAGGCCAGGGGAGTCAGGGGAGAAGGGCAGGCTGGTGCTGGAGGTGGTGGCAGC-3'

ClinVar aggregate classification (germline): Uncertain significance (1 of 4 stars; one submission).

Allele frequency attached by ClinVar (database versions not stated): TOPMed below 0.00001; gnomAD 0.00001; gnomAD exomes 0.00001; ExAC 0.00002.

Submission:

Labcorp Genetics (formerly Invitae), Labcorp
Classification: Uncertain significance. Last evaluated: 2023-10-13. Review status: criteria provided, single submitter. Criteria: Invitae Variant Classification Sherloc (09022015). Collection method: clinical testing. Allele origin: germline.
Comment: This variant, c.1915_1935dup, results in the insertion of 7 amino acid(s) of the SIX5 protein (p.Asp639_Pro645dup), but otherwise preserves the integrity of the reading frame. This variant is not present in population databases (gnomAD no frequency). This variant has not been reported in the literature in individuals affected with SIX5-related conditions. ClinVar contains an entry for this variant (Variation ID: 1414120). Experimental studies and prediction algorithms are not available or were not evaluated, and the functional significance of this variant is currently unknown. In summary, the available evidence is currently insufficient to determine the role of this variant in disease. Therefore, it has been classified as a Variant of Uncertain Significance.